The following is an entry in ClinVar:

NM_012421.4(RLF):c.1968A>G (p.Thr656=)

Gene: RLF (RLF zinc finger; plus strand). Cytogenetic location: 1p34.2.
Variant type: single nucleotide variant.
Coding change: c.1968A>G on transcript NM_012421.4 (MANE Select); coding-DNA position 1968, A replaced by G.
Protein change: p.Thr656=; no amino-acid change (threonine 656 retained).
Molecular consequence: synonymous variant.
Genome position (GRCh38, 1-based): chr1:40,236,670, A>G. VCF-style: chr1-40236670-A-G. GRCh37 (hg19) VCF-style: chr1-40702342-A-G.
Identifiers: ClinVar variation 2638721 (VCV002638721.24), dbSNP rs35901302, ClinGen allele CA790226.

ClinVar aggregate classification (germline): Likely benign (1 of 4 stars; one submission).

Allele frequency attached by ClinVar (database versions not stated): 1000 Genomes Project 30x 0.00219; 1000 Genomes Project 0.00240; ExAC 0.00537; gnomAD 0.00547; TOPMed 0.00563; ESP Exome Variant Server 0.00646; gnomAD exomes 0.00744.
gnomAD v4.1: 11,635 of 1,614,116 alleles (0.72%); highest among the groups gnomAD compares: Non-Finnish European, 0.83%; 44 homozygotes.

Submission:

CeGaT Center for Human Genetics Tuebingen
Classification: Likely benign. Last evaluated: 2023-04-01. Review status: criteria provided, single submitter. Criteria: CeGaT Center For Human Genetics Tuebingen Variant Classification Criteria Version 2. Collection method: clinical testing. Allele origin: germline. Affected: yes. Observed: 2 variant alleles.
Comment: RLF: BP4, BP7, BS2